The following is an entry in ClinVar:

NM_002693.3(POLG):c.1887C>T (p.Asp629=)

Gene: POLG (DNA polymerase gamma, catalytic subunit; minus strand). Cytogenetic location: 15q26.1.
Variant type: single nucleotide variant.
Coding change: c.1887C>T on transcript NM_002693.3 (MANE Select); coding-DNA position 1887, C replaced by T.
Protein change: p.Asp629=; no amino-acid change (aspartic acid 629 retained).
Molecular consequence: synonymous variant.
Genome position (GRCh38, 1-based): chr15:89,325,512, G>A on the plus strand (C>T on the coding strand, the complement: POLG is on the minus strand). VCF-style: chr15-89325512-G-A. GRCh37 (hg19) VCF-style: chr15-89868743-G-A.
Other names: c.1887C>T, p.Asp629= (NM_001126131.2).
Identifiers: ClinVar variation 317332 (VCV000317332.14), dbSNP rs886051524, ClinGen allele CA10602207.

ClinVar aggregate classification (germline): Conflicting classifications of pathogenicity. Review status: criteria provided, conflicting classifications (1 of 4 stars). 5 submissions from 5 submitters: Uncertain significance (1); Likely benign (4). Last evaluated 2025-12-22.

Conditions:
POLG-related disorder. Also called: POLG-Related Spectrum Disorders; POLG-related condition; POLG-Related Disorders. Identifiers: MedGen C4763519.
Progressive sclerosing poliodystrophy (MTDPS4A). Also called: ALPERS PROGRESSIVE INFANTILE POLIODYSTROPHY; NEURONAL DEGENERATION OF CHILDHOOD WITH LIVER DISEASE, PROGRESSIVE; Alpers Syndrome; Mitochondrial DNA Depletion Syndrome 4A; ALPERS DIFFUSE DEGENERATION OF CEREBRAL GRAY MATTER WITH HEPATIC CIRRHOSIS; Mitochondrial DNA depletion syndrome 4A (Alpers type). Identifiers: Orphanet 726, MedGen C0205710, MONDO:0008758, OMIM 203700.

Allele frequency attached by ClinVar (database versions not stated): gnomAD exomes below 0.00001; gnomAD 0.00001; TOPMed 0.00002.
gnomAD v4.1: 12 of 1,611,104 alleles (0.00074%); highest among the groups gnomAD compares: Non-Finnish European, 0.00093%; no homozygotes.

Submissions (5):

PreventionGenetics, part of Exact Sciences
Classification: Likely benign for POLG-related condition. Last evaluated: 2025-12-22. Review status: criteria provided, single submitter. Criteria: ACMG Guidelines, 2015. Collection method: clinical testing. Allele origin: germline.
Comment: This variant is classified as likely benign based on ACMG/AMP sequence variant interpretation guidelines (Richards et al. 2015 PMID: 25741868, with internal and published modifications).

Labcorp Genetics (formerly Invitae), Labcorp
Classification: Likely benign for Progressive sclerosing poliodystrophy. Last evaluated: 2025-11-08. Review status: criteria provided, single submitter. Criteria: Invitae Variant Classification Sherloc (09022015). Collection method: clinical testing. Allele origin: germline.

Wong Mito Lab, Molecular and Human Genetics, Baylor College of Medicine
Classification: Likely benign for Progressive sclerosing poliodystrophy. Last evaluated: 2018-10-01. Review status: criteria provided, single submitter. Criteria: ACMG Guidelines, 2015. Collection method: clinical testing. Allele origin: germline.
Comment: The NM_002693.2:c.1887C>T (NP_002684.1:p.Asp629=) [GRCH38: NC_000015.10:g.89325512G>A] variant in POLG gene is interpretated to be a Likely Benign based on ACMG guidelines (PMID: 25741868). This variant meets the following evidence codes reported in the ACMG-guideline. BP4:Computational evidence/predictors indicate no impact on the POLG structure, function, or protein-protein interaction. BP7:The variant is silent with non predicted splice impact. Based on the evidence criteria codes applied, the variant is suggested to be Likely Benign.

Illumina Laboratory Services, Illumina
Classification: Uncertain significance for POLG-Related Spectrum Disorders. Last evaluated: 2018-01-13. Review status: criteria provided, single submitter. Criteria: ICSL Variant Classification Criteria 13 December 2019. Collection method: clinical testing. Allele origin: germline.

GeneDx
Classification: Likely benign. Last evaluated: 2017-05-15. Review status: criteria provided, single submitter. Criteria: GeneDx Variant Classification (06012015). Collection method: clinical testing. Allele origin: germline. Affected: yes.
Comment: This variant is considered likely benign or benign based on one or more of the following criteria: it is a conservative change, it occurs at a poorly conserved position in the protein, it is predicted to be benign by multiple in silico algorithms, and/or has population frequency not consistent with disease.